The following is an entry in ClinVar:

ClinVar aggregate classification (germline): Likely pathogenic. Review status: criteria provided, multiple submitters, no conflicts (2 of 4 stars). 4 submissions from 4 submitters: Likely pathogenic (3). 1 of the submissions does not count toward it. Last evaluated 2026-04-16.

Conditions:
Hereditary cancer-predisposing syndrome. Also called: Tumor predisposition; Hereditary Cancer Syndrome; Hereditary neoplastic syndrome; Neoplastic Syndromes, Hereditary. Identifiers: Orphanet 140162, MedGen C0027672, MeSH D009386, MONDO:0015356.
Bloom syndrome (BLM). Also called: Bloom-Torre-Machacek syndrome. Identifiers: Orphanet 125, MedGen C0005859, MONDO:0008876, OMIM 210900.

gnomAD v4.1: 1 of 1,613,262 alleles (0.000062%); highest among the groups gnomAD compares: Non-Finnish European, 0.000085%; no homozygotes.

Submissions (4):

Myriad Genetics, Inc.
Classification: Likely pathogenic for Bloom syndrome. Last evaluated: 2026-04-16. Review status: criteria provided, single submitter. Criteria: Myriad Autosomal Dominant, Autosomal Recessive and X-Linked Classification Criteria (2023). Collection method: clinical testing. Allele origin: unknown.
Comment: This variant is considered likely pathogenic. This variant occurs within a consensus splice junction and is predicted to result in abnormal mRNA splicing of either an out-of-frame exon or an in-frame exon necessary for protein stability and/or normal function.

Labcorp Genetics (formerly Invitae), Labcorp
Classification: Likely pathogenic for Bloom syndrome. Last evaluated: 2025-06-16. Review status: criteria provided, single submitter. Criteria: Invitae Variant Classification Sherloc (09022015). Collection method: clinical testing. Allele origin: germline.
Comment: This sequence change affects an acceptor splice site in intron 4 of the BLM gene. It is expected to disrupt RNA splicing. Variants that disrupt the donor or acceptor splice site typically lead to a loss of protein function (PMID: 16199547), and loss-of-function variants in BLM are known to be pathogenic (PMID: 17407155). This variant is not present in population databases (gnomAD no frequency). This variant has not been reported in the literature in individuals affected with BLM-related conditions. ClinVar contains an entry for this variant (Variation ID: 962674). Algorithms developed to predict the effect of sequence changes on RNA splicing suggest that this variant may disrupt the consensus splice site. In summary, the currently available evidence indicates that the variant is pathogenic, but additional data are needed to prove that conclusively. Therefore, this variant has been classified as Likely Pathogenic.

Ambry Genetics
Classification: Likely pathogenic for Hereditary cancer-predisposing syndrome. Last evaluated: 2024-01-09. Review status: criteria provided, single submitter. Criteria: Ambry Variant Classification Scheme 2023. Collection method: clinical testing. Allele origin: germline.
Comment: The c.960-1G>T intronic variant results from a G to T substitution one nucleotide upstream from coding exon 4 of the BLM gene. This nucleotide position is highly conserved in available vertebrate species. In silico splice site analysis predicts that this alteration will weaken the native splice acceptor site and will result in the creation or strengthening of a novel splice acceptor site. Alterations that disrupt the canonical splice site are expected to cause aberrant splicing, resulting in an abnormal protein or a transcript that is subject to nonsense-mediated mRNA decay. As such, this alteration is classified as likely pathogenic.

Natera, Inc.
Classification: Likely pathogenic for Bloom syndrome. Last evaluated: 2019-05-28. Review status: no assertion criteria provided. Collection method: clinical testing. Allele origin: germline. Not counted in ClinVar's aggregate classification.

Literature cited by the submitters: PubMed 16199547 (cited by Labcorp Genetics (formerly Invitae), Labcorp); PubMed 17407155 (cited by Labcorp Genetics (formerly Invitae), Labcorp).

NM_000057.4(BLM):c.960-1G>T

Gene: BLM (BLM RecQ like helicase; plus strand). Cytogenetic location: 15q26.1.
Variant type: single nucleotide variant.
Coding change: c.960-1G>T on transcript NM_000057.4 (MANE Select); the canonical splice acceptor site of the intron before coding-DNA position 960, G replaced by T.
Molecular consequence: splice acceptor variant.
Genome position (GRCh38, 1-based): chr15:90,754,810, G>T. VCF-style: chr15-90754810-G-T. GRCh37 (hg19) VCF-style: chr15-91298040-G-T.
Other names: c.960-1G>T (NM_001287246.2, NM_001287247.2, NM_000057.2); c.-332-1G>T (NM_001287248.2).
Identifiers: ClinVar variation 962674 (VCV000962674.13), dbSNP rs1596223715, ClinGen allele CA393841978.